The following is an entry in ClinVar:

NM_004629.2(FANCG):c.125T>G (p.Leu42Trp)

Gene: FANCG (FA complementation group G; minus strand). Cytogenetic location: 9p13.3.
Variant type: single nucleotide variant.
Coding change: c.125T>G on transcript NM_004629.2 (MANE Select); coding-DNA position 125, T replaced by G.
Protein change: p.Leu42Trp; replaces leucine 42 with tryptophan.
Molecular consequence: missense variant.
Genome position (GRCh38, 1-based): chr9:35,079,201, A>C on the plus strand (T>G on the coding strand, the complement: FANCG is on the minus strand). VCF-style: chr9-35079201-A-C. GRCh37 (hg19) VCF-style: chr9-35079198-A-C.
Other names: short protein forms L42W.
Identifiers: ClinVar variation 4841404 (VCV004841404.1).

ClinVar aggregate classification (germline): Uncertain significance (1 of 4 stars; one submission).

Conditions:
Inborn genetic diseases. Identifiers: MedGen C0950123, MeSH D030342.

Submission:

Ambry Genetics
Classification: Uncertain significance for Inborn genetic diseases. Last evaluated: 2025-12-23. Review status: criteria provided, single submitter. Criteria: Ambry Variant Classification Scheme 2023. Collection method: clinical testing. Allele origin: germline.
Comment: The p.L42W variant (also known as c.125T>G), located in coding exon 2 of the FANCG gene, results from a T to G substitution at nucleotide position 125. The leucine at codon 42 is replaced by tryptophan, an amino acid with similar properties. This amino acid position is conserved. In addition, this alteration is predicted to be tolerated by in silico analysis. Based on the available evidence, the clinical significance of this variant remains unclear.